The following is an entry in ClinVar:

ClinVar aggregate classification (germline): Uncertain significance (1 of 4 stars; one submission).

Submission:

GeneDx
Classification: Uncertain significance. Last evaluated: 2023-04-26. Review status: criteria provided, single submitter. Criteria: GeneDx Variant Classification Process June 2021. Collection method: clinical testing. Allele origin: germline. Affected: yes.
Comment: Not observed at significant frequency in large population cohorts (gnomAD); Frameshift variant predicted to result in protein elongation as the last 3 amino acids are replaced with 32 different amino acids; Has not been previously published as pathogenic or benign to our knowledge

NM_000660.7(TGFB1):c.1161dup (p.Lys388fs)

Gene: TGFB1 (transforming growth factor beta 1; minus strand). Cytogenetic location: 19q13.2.
Variant type: Duplication.
Coding change: c.1161dup on transcript NM_000660.7 (MANE Select); coding-DNA position 1161, one base duplicated (C; older notation c.1161dupC).
Protein change: p.Lys388fs; shifts the reading frame from lysine 388.
Molecular consequence: frameshift variant.
Genome position (GRCh38, 1-based): chr19:41,331,064, G duplicated on the plus strand (C on the coding strand, the reverse complement: TGFB1 is on the minus strand). VCF-style (leftmost placement, unchanged base first): chr19-41331063-T-TG. GRCh37 (hg19) VCF-style: chr19-41836968-T-TG.
Other names: short protein forms K388fs.
Identifiers: ClinVar variation 2663513 (VCV002663513.1), dbSNP rs2513371745, ClinGen allele CA2695198203.